The following is an entry in ClinVar:

NM_015978.3(TNNI3K):c.1679T>G (p.Leu560Trp)

Genes: FPGT-TNNI3K (FPGT-TNNI3K readthrough; plus strand), TNNI3K (TNNI3 interacting kinase; plus strand). Cytogenetic location: 1p31.1.
Variant type: single nucleotide variant.
Coding change: c.1679T>G on transcript NM_015978.3 (MANE Select); coding-DNA position 1679, T replaced by G.
Protein change: p.Leu560Trp; replaces leucine 560 with tryptophan.
Molecular consequence: missense variant.
Genome position (GRCh38, 1-based): chr1:74,370,299, T>G. VCF-style: chr1-74370299-T-G. GRCh37 (hg19) VCF-style: chr1-74835983-T-G.
Other names: c.1982T>G, p.Leu661Trp (NM_001112808.3, NM_001199327.2); short protein forms L661W, L560W.
Identifiers: ClinVar variation 1524723 (VCV001524723.6), dbSNP rs2100522840, ClinGen allele CA340786502.

ClinVar aggregate classification (germline): Uncertain significance (1 of 4 stars; one submission).

Allele frequency attached by ClinVar (database versions not stated): gnomAD exomes below 0.00001.
gnomAD v4.1: 1 of 1,593,488 alleles (0.000063%); highest among the groups gnomAD compares: African/African-American, 0.0013%; no homozygotes.

Submission:

Labcorp Genetics (formerly Invitae), Labcorp
Classification: Uncertain significance. Last evaluated: 2023-03-07. Review status: criteria provided, single submitter. Criteria: Invitae Variant Classification Sherloc (09022015). Collection method: clinical testing. Allele origin: germline.
Comment: This variant is not present in population databases (gnomAD no frequency). This sequence change replaces leucine, which is neutral and non-polar, with tryptophan, which is neutral and slightly polar, at codon 560 of the TNNI3K protein (p.Leu560Trp). This variant has not been reported in the literature in individuals affected with TNNI3K-related conditions. ClinVar contains an entry for this variant (Variation ID: 1524723). Advanced modeling of protein sequence and biophysical properties (such as structural, functional, and spatial information, amino acid conservation, physicochemical variation, residue mobility, and thermodynamic stability) performed at Invitae indicates that this missense variant is not expected to disrupt TNNI3K protein function. In summary, the available evidence is currently insufficient to determine the role of this variant in disease. Therefore, it has been classified as a Variant of Uncertain Significance.